The following is an entry in ClinVar:

NM_020163.3(SEMA3G):c.2062A>G (p.Lys688Glu)

Gene: SEMA3G (semaphorin 3G; minus strand). Cytogenetic location: 3p21.1.
Variant type: single nucleotide variant.
Coding change: c.2062A>G on transcript NM_020163.3 (MANE Select); coding-DNA position 2062, A replaced by G.
Protein change: p.Lys688Glu; replaces lysine 688 with glutamic acid.
Molecular consequence: missense variant.
Genome position (GRCh38, 1-based): chr3:52,435,890, T>C on the plus strand (A>G on the coding strand, the complement: SEMA3G is on the minus strand). VCF-style: chr3-52435890-T-C. GRCh37 (hg19) VCF-style: chr3-52469906-T-C.
Other names: c.2062A>G (NM_020163.2); short protein forms K688E.
Identifiers: ClinVar variation 3439455 (VCV003439455.2).
Genomic context (GRCh38, chr3:52,435,890, plus strand): 5'-TGTACCAGGCCTTGGGTGGGGTGGAAGCCAGGCCTCCCCGGGCTGGGGGCTCCTCTGGCT[T>C]TGGCTCCGGAGGGAACAGGTTGTCCAGCTGTGAGGCCACAATCACCACCAGAGCCAGGCG-3'
Protein context (NP_064548.1, residues 678-698): QLDNLFPPEP[Lys688Glu]PEEPPARGGL

ClinVar aggregate classification (germline): Uncertain significance. Review status: criteria provided, multiple submitters, no conflicts (2 of 4 stars). 2 submissions from 2 submitters: Uncertain significance (2). Last evaluated 2025-10-06.

Conditions:
SEMA3G-related disorder. Also called: SEMA3G-related condition.

gnomAD v4.1: 1 of 1,614,038 alleles (0.000062%); highest among the groups gnomAD compares: African/African-American, 0.0013%; no homozygotes.

Submissions (2):

PreventionGenetics, part of Exact Sciences
Classification: Uncertain significance for SEMA3G-related condition. Last evaluated: 2025-10-06. Review status: criteria provided, single submitter. Criteria: ACMG Guidelines, 2015. Collection method: clinical testing. Allele origin: germline.
Comment: The SEMA3G c.2062A>G variant is predicted to result in the amino acid substitution p.Lys688Glu. To our knowledge, this variant has not been reported in the literature or in a large population database (gnomAD), indicating this variant is rare. At this time, the clinical significance of this variant is uncertain due to the absence of conclusive functional and genetic evidence.

Ambry Genetics
Classification: Uncertain significance. Last evaluated: 2024-12-03. Review status: criteria provided, single submitter. Criteria: Ambry Variant Classification Scheme 2023. Collection method: clinical testing. Allele origin: germline.